The following is an entry in ClinVar:

ClinVar aggregate classification (germline): Conflicting classifications of pathogenicity. Review status: criteria provided, conflicting classifications (1 of 4 stars). 11 submissions from 11 submitters: Pathogenic (6); Likely pathogenic (3); Uncertain significance (1). 1 of the submissions does not count toward it. Last evaluated 2026-01-09.

Conditions:
Niemann-Pick disease, type A. Also called: Infantile Neurovisceral ASMD (Niemann-Pick Disease Type A; NPD-A); SPHINGOMYELIN LIPIDOSIS; SPHINGOMYELINASE DEFICIENCY. Identifiers: Orphanet 77292, MedGen C0268242, MONDO:0009756, OMIM 257200. Disease mechanism: loss of function.
Niemann-Pick disease, type B. Also called: Chronic Visceral ASMD (Niemann-Pick Disease Type B; NPD-B). Identifiers: Orphanet 77293, MedGen C0268243, MONDO:0011871, OMIM 607616. Disease mechanism: loss of function.
SMPD1-related disorder. Also called: SMPD1-related condition.
Sphingomyelin/cholesterol lipidosis. Also called: Niemann-Pick disease. Identifiers: MedGen C0028064, MONDO:0001982.

Allele frequency attached by ClinVar (database versions not stated): ExAC 0.00003; TOPMed 0.00005; gnomAD 0.00006 and 0.00007; gnomAD exomes 0.00007; 1000 Genomes Project 30x 0.00031; 1000 Genomes Project 0.00040.
gnomAD v4.1: 119 of 1,613,922 alleles (0.0074%); highest among the groups gnomAD compares: East Asian, 0.022%; no homozygotes.

Submissions (11):

Labcorp Genetics (formerly Invitae), Labcorp
Classification: Pathogenic for Niemann-Pick disease, type B; Niemann-Pick disease, type A. Last evaluated: 2026-01-09. Review status: criteria provided, single submitter. Criteria: Invitae Variant Classification Sherloc (09022015). Collection method: clinical testing. Allele origin: germline.
Comment: This sequence change replaces arginine, which is basic and polar, with histidine, which is basic and polar, at codon 378 of the SMPD1 protein (p.Arg378His). This variant is present in population databases (rs559088058, gnomAD 0.02%). This missense change has been observed in individual(s) with Niemann-Pick disease type B (PMID: 15877209, 17011332, 19405096, 23252888). This variant is also known as R376H. ClinVar contains an entry for this variant (Variation ID: 554977). Invitae Evidence Modeling of protein sequence and biophysical properties (such as structural, functional, and spatial information, amino acid conservation, physicochemical variation, residue mobility, and thermodynamic stability) has been performed for this missense variant. However, the output from this modeling did not meet the statistical confidence thresholds required to predict the impact of this variant on SMPD1 protein function. Experimental studies have shown that this missense change affects SMPD1 function (PMID: 15877209). This variant disrupts the p.Arg378 amino acid residue in SMPD1. Other variant(s) that disrupt this residue have been observed in individuals with SMPD1-related conditions (PMID: 17011332), which suggests that this may be a clinically significant amino acid residue. For these reasons, this variant has been classified as Pathogenic.

Natera, Inc.
Classification: Pathogenic for Niemann-Pick Disease, Types A/B. Last evaluated: 2025-12-11. Review status: criteria provided, single submitter. Criteria: Natera Variant Classification Schema (03/2026). Collection method: clinical testing. Allele origin: germline.
Comment: The c.1133G>A variant in SMPD1 is a missense variant predicted to cause substitution of arginine to histidine at amino acid 378. This variant is rare in the general population with a frequency below the threshold expected for the associated phenotype(s). This variant has been observed in one or more individuals affected with the associated recessive disease, as either homozygous or compound heterozygous with a second variant (PMID: 23252888, 25834946, 15877209, 19405096, 40106870). Computational prediction algorithms indicate this variant is likely to affect gene or protein function. Given the available evidence, this variant is classified as Pathogenic.

PreventionGenetics, part of Exact Sciences
Classification: Likely pathogenic for SMPD1-related condition. Last evaluated: 2025-11-26. Review status: criteria provided, single submitter. Criteria: ACMG Guidelines, 2015. Collection method: clinical testing. Allele origin: germline.
Comment: The SMPD1 c.1133G>A variant is predicted to result in the amino acid substitution p.Arg378His. This variant is alternatively referred to as p.Arg376His in the literature. This variant has been reported together with SMPD1 pathogenic variant in at least five individuals with Niemann-Pick disease, mainly type B (Table 3, Simonaro et al. 2002. PubMed ID: 12369017; Table S2, Rodríguez-Pascau et al. 2009. PubMed ID: 19405096; Table 1, Matalonga et al. 2015. PubMed ID: 26169295) or with mild or atypical phenotype (Table 7, Pavlů-Pereira et al. 2005. PubMed ID: 15877209; Table 1, Irun et al. 2013. PubMed ID: 23252888). Residual enzymatic activity in patient's leukocyte was 2.6% and 18.7% of normal values (Irun et al. 2013. PubMed ID: 23252888; Table 7, Pavlů-Pereira et al. 2005. PubMed ID: 15877209). In vitro functional studies demonstrate that this variant results in ~40% enzyme activity of wildtype, which is higher than some SMPD1 pathogenic variants but comparable to other pathogenic variant p.Pro186Leu (Table 8, Pavlů-Pereira et al. 2005. PubMed ID: 15877209). This variant was also reported in both cases and controls of Parkinson disease cohort studies (Table S12-4, Chen et al. 2022. PubMed ID: 35861376; Table S3, Zhao et al. 2021. PubMed ID: 34867278). This variant is reported in 0.020% of alleles in individuals of East Asian descent in gnomAD. This variant has conflicting interpretations by other laboratories contributing to the ClinVar database, ranging from uncertain to pathogenic, with majority of submitters assessing this variant as likely pathogenic and pathogenic. Additionally, alternative missense changes impacting the same amino acid (p.Arg378Leu and p.Arg378Cys) have been reported in individuals with Niemann-Pick disease and Parkinson disease, respectively (Simonaro et al. 2002. PubMed ID: 12369017; Cristina et al. 2020. PubMed ID: 32870915). This variant is interpreted as likely pathogenic.

GeneDx
Classification: Uncertain significance. Last evaluated: 2025-06-04. Review status: criteria provided, single submitter. Criteria: GeneDx Variant Classification Process June 2021. Collection method: clinical testing. Allele origin: germline. Affected: yes.
Comment: Identified in multiple individuals with Parkinson disease; however, this variant was also observed in many unaffected controls (PMID: 26377108); Published functional studies may suggest a damaging effect resulting in an enzyme with approximately 40% activity compared to wild-type enzyme (PMID: 15877209); In silico analysis supports that this missense variant has a deleterious effect on protein structure/function; Also denoted as R376H due to alternative nomenclature; This variant is associated with the following publications: (PMID: 27725636, 35861376, 12369017, 34426522, 26499107, 17011332, 33100332, 34867278, 30788890, 32071839, 15234149, Chew2023[preprint], 19405096, 15877209, 26377108, 23252888, 26169295)

Fulgent Genetics
Classification: Likely pathogenic for Niemann-Pick disease, type A; Niemann-Pick disease, type B. Last evaluated: 2024-06-06. Review status: criteria provided, single submitter. Criteria: ACMG Guidelines, 2015. Collection method: clinical testing. Allele origin: germline.

Baylor Genetics
Classification: Pathogenic for Niemann-Pick disease, type A. Last evaluated: 2024-03-19. Review status: criteria provided, single submitter. Criteria: ACMG Guidelines, 2015. Collection method: clinical testing. Allele origin: unknown.

Laboratory of Medical Genetics, National & Kapodistrian University of Athens
Classification: Pathogenic for Niemann-Pick disease, type A. Last evaluated: 2024-02-01. Review status: criteria provided, single submitter. Criteria: ACMG Guidelines, 2015. Collection method: curation. Allele origin: germline. Affected: no.

Women's Health and Genetics/Laboratory Corporation of America, LabCorp
Classification: Pathogenic for Sphingomyelin/cholesterol lipidosis. Last evaluated: 2023-03-18. Review status: criteria provided, single submitter. Criteria: LabCorp Variant Classification Summary - May 2015. Collection method: clinical testing. Allele origin: germline.
Comment: Variant summary: SMPD1 c.1133G>A (p.Arg378His) results in a non-conservative amino acid change located in the Calcineurin-like phosphoesterase domain, ApaH (IPR004843) of the encoded protein sequence. Five of five in-silico tools predict a damaging effect of the variant on protein function. The variant allele was found at a frequency of 7.2e-05 in 249216 control chromosomes. This frequency is not significantly higher than estimated for a pathogenic variant in SMPD1 causing Niemann-Pick Disease (7.2e-05 vs 0.0022), allowing no conclusion about variant significance. c.1133G>A has been reported in the literature in individuals affected with Niemann-Pick Disease (example, PMID: 12369017, 15877209, 19405096, 23252888, 26169295). These data indicate that the variant is likely to be associated with disease. At least one publication reports experimental evidence evaluating an impact on protein function. The most pronounced variant effect results in 40% of normal activity in a heterozygous background (example, PMID: 15877209). Six clinical diagnostic laboratories have submitted clinical-significance assessments for this variant to ClinVar after 2014 (P/LP, n=5; VUS, n=1). Based on the evidence outlined above, the variant was classified as pathogenic.

Greenwood Genetic Center Diagnostic Laboratories, Greenwood Genetic Center
Classification: Likely pathogenic for Niemann-Pick disease, type A. Last evaluated: 2022-09-28. Review status: criteria provided, single submitter. Criteria: ACMG Guidelines, 2015. Collection method: clinical testing. Allele origin: germline. Affected: yes.
Comment: PS3, PM1, PM2

Mayo Clinic Laboratories, Mayo Clinic
Classification: Pathogenic. Last evaluated: 2021-01-12. Review status: criteria provided, single submitter. Criteria: ACMG Guidelines, 2015. Collection method: clinical testing. Allele origin: germline. Observed: 1 variant allele.
Comment: PS3, PS4_moderate, PM2, PP3, PP4

Counsyl
Classification: Uncertain significance for Niemann-Pick disease, type A. Last evaluated: 2017-11-09. Review status: no assertion criteria provided. Collection method: clinical testing. Allele origin: unknown. Not counted in ClinVar's aggregate classification.

Literature cited by the submitters: PubMed 15877209 (cited by 5 submitters); PubMed 17011332 (cited by 3 submitters); PubMed 19405096 (cited by 5 submitters); PubMed 23252888 (cited by 5 submitters); PubMed 25834946 (cited by Natera, Inc.); PubMed 40106870 (cited by Natera, Inc.); PubMed 12369017 (cited by 3 submitters); PubMed 26169295 (cited by Women's Health and Genetics/Laboratory Corporation of America, LabCorp and Mayo Clinic Laboratories, Mayo Clinic); PubMed 15234149 (cited by Mayo Clinic Laboratories, Mayo Clinic); PubMed 27725636 (cited by Mayo Clinic Laboratories, Mayo Clinic and Counsyl); PubMed 26499107 (cited by Mayo Clinic Laboratories, Mayo Clinic); PubMed 32071839 (cited by Mayo Clinic Laboratories, Mayo Clinic); PubMed 33100332 (cited by Mayo Clinic Laboratories, Mayo Clinic).

NM_000543.5(SMPD1):c.1133G>A (p.Arg378His)

Gene: SMPD1 (sphingomyelin phosphodiesterase 1; plus strand). Cytogenetic location: 11p15.4.
Variant type: single nucleotide variant.
Coding change: c.1133G>A on transcript NM_000543.5 (MANE Select); coding-DNA position 1133, G replaced by A.
Protein change: p.Arg378His; replaces arginine 378 with histidine.
Molecular consequence: missense variant. On other transcripts: non-coding transcript variant (1), intron variant (1).
Genome position (GRCh38, 1-based): chr11:6,393,257, G>A. VCF-style: chr11-6393257-G-A. GRCh37 (hg19) VCF-style: chr11-6414487-G-A.
Other names: c.1130G>A, p.Arg377His (NM_001007593.3); c.1133G>A, p.Arg378His (NM_001318087.2); c.212G>A, p.Arg71His (NM_001318088.2); c.1132-360G>A (NM_001365135.2); short protein forms R378H, R377H, R71H.
Identifiers: ClinVar variation 554977 (VCV000554977.29), dbSNP rs559088058, ClinGen allele CA5852797.
Genomic context (GRCh38, chr11:6,393,257, plus strand): 5'-CATGTTTACTTTGTTTCAGAATTGGGGGGTTCTATGCTCTTTCCCCATACCCCGGTCTCC[G>A]CCTCATCTCTCTCAATATGAATTTTTGTTCCCGTGAGAACTTCTGGCTCTTGATCAACTC-3'
Protein context (NP_000534.3, residues 368-388): FYALSPYPGL[Arg378His]LISLNMNFCS